The following is an entry in ClinVar:

NM_001458.5(FLNC):c.352+4A>G

Gene: FLNC (filamin C; plus strand). Cytogenetic location: 7q32.1.
Variant type: single nucleotide variant.
Coding change: c.352+4A>G on transcript NM_001458.5 (MANE Select); 4 bases into the intron after coding-DNA position 352, A replaced by G.
Molecular consequence: intron variant.
Genome position (GRCh38, 1-based): chr7:128,830,993, A>G. VCF-style: chr7-128830993-A-G. GRCh37 (hg19) VCF-style: chr7-128471047-A-G.
Other names: c.352+4A>G (NM_001127487.2).
Identifiers: ClinVar variation 3762084 (VCV003762084.2).
Genomic context (GRCh38, chr7:128,830,993, plus strand): 5'-ACGTGTCCGTGGCCCTCGAGTTCCTCGAGCGCGAGCACATCAAGCTCGTGTCCATAGGTC[A>G]GTGCCGGGGGCGAGGGCACGGGCGCTGCGGGGATAGGGTCGTCCCATGGGGCAGGGGCAC-3'

ClinVar aggregate classification (germline): Uncertain significance (1 of 4 stars; one submission).

Conditions:
Hypertrophic cardiomyopathy 26. Also called: Cardiomyopathy, familial hypertrophic, 26. Identifiers: Orphanet 75249, MedGen C4310749, MONDO:0014883, OMIM 617047.
Distal myopathy with posterior leg and anterior hand involvement. Also called: WILLIAMS DISTAL MYOPATHY. Identifiers: Orphanet 63273, MedGen C3279722, MONDO:0013550, OMIM 614065.
Myofibrillar myopathy 5. Also called: Filaminopathy (type); FILAMINOPATHY, AUTOSOMAL DOMINANT. Identifiers: Orphanet 171445, MedGen C1836050, MONDO:0012289, OMIM 609524.

gnomAD v4.1: 1 of 1,605,436 alleles (0.000062%); highest among the groups gnomAD compares: Admixed American, 0.0017%; no homozygotes.

Submission:

Labcorp Genetics (formerly Invitae), Labcorp
Classification: Uncertain significance for Distal myopathy with posterior leg and anterior hand involvement; Myofibrillar myopathy 5; Hypertrophic cardiomyopathy 26. Last evaluated: 2025-04-27. Review status: criteria provided, single submitter. Criteria: Invitae Variant Classification Sherloc (09022015). Collection method: clinical testing. Allele origin: germline.
Comment: This sequence change falls in intron 1 of the FLNC gene. It does not directly change the encoded amino acid sequence of the FLNC protein. It affects a nucleotide within the consensus splice site. The frequency data for this variant in the population databases is considered unreliable, as metrics indicate poor data quality at this position in the gnomAD database. This variant has not been reported in the literature in individuals affected with FLNC-related conditions. ClinVar contains an entry for this variant (Variation ID: 3762084). Variants that disrupt the consensus splice site are a relatively common cause of aberrant splicing (PMID: 17576681, 9536098). Algorithms developed to predict the effect of sequence changes on RNA splicing suggest that this variant is not likely to affect RNA splicing. In summary, the available evidence is currently insufficient to determine the role of this variant in disease. Therefore, it has been classified as a Variant of Uncertain Significance.

Literature cited by the submitters: PubMed 17576681; PubMed 9536098.